The following is an entry in ClinVar:

ClinVar aggregate classification (germline): Uncertain significance. Review status: criteria provided, multiple submitters, no conflicts (2 of 4 stars). 3 submissions from 3 submitters: Uncertain significance (3). Last evaluated 2025-12-02.

Conditions:
Inborn genetic diseases. Identifiers: MedGen C0950123, MeSH D030342.
Multiple mitochondrial dysfunctions syndrome 1 (MMDS1). Identifiers: Orphanet 401869, MedGen C3276432, MONDO:0011582, OMIM 605711.

Allele frequency attached by ClinVar (database versions not stated): gnomAD 0.00016 and 0.00017; TOPMed 0.00019; gnomAD exomes 0.00023 and 0.00049; ExAC 0.00026.
gnomAD v4.1: 745 of 1,610,658 alleles (0.046%); highest among the groups gnomAD compares: Non-Finnish European, 0.059%; no homozygotes.

Submissions (3):

GeneDx
Classification: Uncertain significance. Last evaluated: 2025-12-02. Review status: criteria provided, single submitter. Criteria: GeneDx Variant Classification Process June 2021. Collection method: clinical testing. Allele origin: germline. Affected: yes.
Comment: In silico analysis suggests that this missense variant does not alter protein structure/function; Has not been previously published as pathogenic or benign to our knowledge

Ambry Genetics
Classification: Uncertain significance for Inborn genetic diseases. Last evaluated: 2025-06-08. Review status: criteria provided, single submitter. Criteria: Ambry Variant Classification Scheme 2023. Collection method: clinical testing. Allele origin: germline.

Labcorp Genetics (formerly Invitae), Labcorp
Classification: Uncertain significance for Multiple mitochondrial dysfunctions syndrome 1. Last evaluated: 2023-08-24. Review status: criteria provided, single submitter. Criteria: Invitae Variant Classification Sherloc (09022015). Collection method: clinical testing. Allele origin: germline.
Comment: This sequence change replaces arginine, which is basic and polar, with lysine, which is basic and polar, at codon 6 of the NFU1 protein (p.Arg6Lys). In summary, the available evidence is currently insufficient to determine the role of this variant in disease. Therefore, it has been classified as a Variant of Uncertain Significance. Experimental studies and prediction algorithms are not available or were not evaluated, and the functional significance of this variant is currently unknown. ClinVar contains an entry for this variant (Variation ID: 1342045). This variant has not been reported in the literature in individuals affected with NFU1-related conditions. This variant is present in population databases (rs746094022, gnomAD 0.04%).

NM_001002755.4(NFU1):c.17G>A (p.Arg6Lys)

Genes: NFU1 (NFU1 iron-sulfur cluster scaffold; minus strand), LOC129934004 (ATAC-STARR-seq lymphoblastoid active region 15971; plus strand). Cytogenetic location: 2p13.3.
Variant type: single nucleotide variant.
Coding change: c.17G>A on transcript NM_001002755.4 (MANE Select); coding-DNA position 17, G replaced by A.
Protein change: p.Arg6Lys; replaces arginine 6 with lysine.
Molecular consequence: missense variant. On other transcripts: 5 prime UTR variant (2), non-coding transcript variant (2), intron variant (1).
Genome position (GRCh38, 1-based): chr2:69,437,406, C>T on the plus strand (G>A on the coding strand, the complement: NFU1 is on the minus strand). VCF-style: chr2-69437406-C-T. GRCh37 (hg19) VCF-style: chr2-69664538-C-T.
Other names: c.-361G>A (NM_001002756.2); c.-146G>A (NM_015700.4); c.-11+647G>A (NM_001374284.1); c.17G>A (NM_001002755.1); short protein forms R6K.
Identifiers: ClinVar variation 1342045 (VCV001342045.8), dbSNP rs746094022, ClinGen allele CA1694341.